The following is an entry in ClinVar:

NM_004771.4(MMP20):c.126+10T>C

Gene: MMP20 (matrix metallopeptidase 20; minus strand). Cytogenetic location: 11q22.2.
Variant type: single nucleotide variant.
Coding change: c.126+10T>C on transcript NM_004771.4 (MANE Select); 10 bases into the intron after coding-DNA position 126, T replaced by C.
Molecular consequence: intron variant.
Genome position (GRCh38, 1-based): chr11:102,625,184, A>G on the plus strand (T>C on the coding strand, the complement: MMP20 is on the minus strand). VCF-style: chr11-102625184-A-G. GRCh37 (hg19) VCF-style: chr11-102495915-A-G.
Identifiers: ClinVar variation 3052668 (VCV003052668.2), dbSNP rs535565490, ClinGen allele CA6248570.

ClinVar aggregate classification (germline): Likely benign (0 of 4 stars; one submission).

Conditions:
MMP20-related disorder. Also called: MMP20-related condition.

Allele frequency attached by ClinVar (database versions not stated): ExAC 0.00001; gnomAD exomes 0.00001; TOPMed 0.00001; gnomAD 0.00004; 1000 Genomes Project 30x 0.00047; 1000 Genomes Project 0.00060.
gnomAD v4.1: 19 of 1,613,684 alleles (0.0012%); highest among the groups gnomAD compares: East Asian, 0.018%; no homozygotes.

Submission:

PreventionGenetics, part of Exact Sciences
Classification: Likely benign for MMP20-related condition. Last evaluated: 2019-08-22. Review status: no assertion criteria provided. Collection method: clinical testing. Allele origin: germline.
Comment: This variant is classified as likely benign based on ACMG/AMP sequence variant interpretation guidelines (Richards et al. 2015 PMID: 25741868, with internal and published modifications).